The following is an entry in ClinVar:

NM_004006.3(DMD):c.10178G>C (p.Gly3393Ala)

Gene: DMD (dystrophin; minus strand). Cytogenetic location: Xp21.2.
Variant type: single nucleotide variant.
Coding change: c.10178G>C on transcript NM_004006.3 (MANE Select); coding-DNA position 10178, G replaced by C.
Protein change: p.Gly3393Ala; replaces glycine 3393 with alanine.
Molecular consequence: missense variant.
Genome position (GRCh38, 1-based): chrX:31,178,714, C>G on the plus strand (G>C on the coding strand, the complement: DMD is on the minus strand). VCF-style: chrX-31178714-C-G. GRCh37 (hg19) VCF-style: chrX-31196831-C-G.
Other names: c.10154G>C, p.Gly3385Ala (NM_000109.4); c.10166G>C, p.Gly3389Ala (NM_004009.3); c.9809G>C, p.Gly3270Ala (NM_004010.3); c.6155G>C, p.Gly2052Ala (NM_004011.4); c.6146G>C, p.Gly2049Ala (NM_004012.4); c.2798G>C, p.Gly933Ala (NM_004013.3, NM_004020.4, NM_004021.3 and 2 more transcripts); c.1991G>C, p.Gly664Ala (NM_004014.3); c.974G>C, p.Gly325Ala (NM_004015.3, NM_004016.3, NM_004017.3 and 2 more transcripts); short protein forms G3385A, G664A, G325A, G3270A, G2049A, G933A, G2052A, G3389A.
Identifiers: ClinVar variation 3634788 (VCV003634788.2).

ClinVar aggregate classification (germline): Uncertain significance (1 of 4 stars; one submission).

Conditions:
Duchenne muscular dystrophy (DMD). Also called: MUSCULAR DYSTROPHY, PSEUDOHYPERTROPHIC PROGRESSIVE, DUCHENNE TYPE; Duchenne Muscular Dystrophy (DMD). Identifiers: Orphanet 98896, MedGen C0013264, MONDO:0010679, OMIM 310200.

Submission:

Labcorp Genetics (formerly Invitae), Labcorp
Classification: Uncertain significance for Duchenne muscular dystrophy. Last evaluated: 2024-08-14. Review status: criteria provided, single submitter. Criteria: Invitae Variant Classification Sherloc (09022015). Collection method: clinical testing. Allele origin: germline.
Comment: This sequence change replaces glycine, which is neutral and non-polar, with alanine, which is neutral and non-polar, at codon 3393 of the DMD protein (p.Gly3393Ala). This variant is not present in population databases (gnomAD no frequency). This variant has not been reported in the literature in individuals affected with DMD-related conditions. Invitae Evidence Modeling of protein sequence and biophysical properties (such as structural, functional, and spatial information, amino acid conservation, physicochemical variation, residue mobility, and thermodynamic stability) has been performed for this missense variant. However, the output from this modeling did not meet the statistical confidence thresholds required to predict the impact of this variant on DMD protein function. In summary, the available evidence is currently insufficient to determine the role of this variant in disease. Therefore, it has been classified as a Variant of Uncertain Significance.